The following is an entry in ClinVar:

NM_021083.4(XK):c.827C>T (p.Thr276Ile)

Gene: XK (X-linked Kx blood group antigen, Kell and VPS13A binding protein; plus strand). Cytogenetic location: Xp21.1.
Variant type: single nucleotide variant.
Coding change: c.827C>T on transcript NM_021083.4 (MANE Select); coding-DNA position 827, C replaced by T.
Protein change: p.Thr276Ile; replaces threonine 276 with isoleucine.
Molecular consequence: missense variant.
Genome position (GRCh38, 1-based): chrX:37,727,954, C>T. VCF-style: chrX-37727954-C-T. GRCh37 (hg19) VCF-style: chrX-37587207-C-T.
Other names: short protein forms T276I.
Identifiers: ClinVar variation 4526100 (VCV004526100.2).
Genomic context (GRCh38, chrX:37,727,954, plus strand): 5'-TCTGGTGCAGTGGTTCCCCATTCCCTGAGAACATAGAGAAGGCCCTCAGTAGAGTGGGCA[C>T]CACCATTGTACTATGCTTTCTAACTTTACTCTATACTGGTATCAACATGTTCTGCTGGTC-3'
Protein context (NP_066569.1, residues 266-286): NIEKALSRVG[Thr276Ile]TIVLCFLTLL

ClinVar aggregate classification (germline): Conflicting classifications of pathogenicity. Review status: criteria provided, conflicting classifications (1 of 4 stars). 2 submissions from 2 submitters: Uncertain significance (1); Likely benign (1). Last evaluated 2025-07-08.

Submissions (2):

Women's Health and Genetics/Laboratory Corporation of America, LabCorp
Classification: Uncertain significance. Last evaluated: 2025-07-08. Review status: criteria provided, single submitter. Criteria: LabCorp Variant Classification Summary - May 2015. Collection method: clinical testing. Allele origin: germline.
Comment: Variant summary: XK c.827C>T (p.Thr276Ile) results in a non-conservative amino acid change in the encoded protein sequence. Algorithms developed to predict the effect of missense changes on protein structure and function are either unavailable or do not agree on the potential impact of this missense change. The variant allele was found at a frequency of 5.5e-06 in 182447 control chromosomes. The available data on variant occurrences in the general population are insufficient to allow any conclusion about variant significance. To our knowledge, no occurrence of c.827C>T in individuals affected with McLeod Neuroacanthocytosis Syndrome and no experimental evidence demonstrating its impact on protein function have been reported. No submitters have cited clinical-significance assessments for this variant to ClinVar. Based on the evidence outlined above, the variant was classified as uncertain significance.

Blueprint Genetics
Classification: Likely benign. Last evaluated: 2023-07-28. Review status: criteria provided, single submitter. Criteria: ACMG Guidelines, 2015. Collection method: clinical testing. Allele origin: germline.